The following is an entry in ClinVar:

ClinVar aggregate classification (germline): Pathogenic (1 of 4 stars; one submission).

Conditions:
LAMA2-related muscular dystrophy (LAMA2-RD). Also called: Laminin alpha 2-related dystrophy. Identifiers: MedGen C5679788, MONDO:0100228.

Submission:

Myriad Genetics, Inc.
Classification: Pathogenic for LAMA2-related muscular dystrophy. Last evaluated: 2024-08-02. Review status: criteria provided, single submitter. Criteria: Myriad Autosomal Dominant, Autosomal Recessive and X-Linked Classification Criteria (2023). Collection method: clinical testing. Allele origin: unknown.
Comment: NM_000426.3(LAMA2):c.7505C>G(S2502*) is expected to be pathogenic in the context of muscular dystrophy, LAMA2-related. This variant is predicted to lead to an abnormal or absent protein product due to the creation of a premature termination codon in LAMA2, a gene where loss-of-function variants are known to be pathogenic. Please note: this variant was assessed in the context of healthy population screening.

NM_000426.4(LAMA2):c.7505C>G (p.Ser2502Ter)

Gene: LAMA2 (laminin subunit alpha 2; plus strand). Cytogenetic location: 6q22.33.
Variant type: single nucleotide variant.
Coding change: c.7505C>G on transcript NM_000426.4 (MANE Select); coding-DNA position 7505, C replaced by G.
Protein change: p.Ser2502Ter; replaces serine 2502 with a stop codon.
Molecular consequence: nonsense.
Genome position (GRCh38, 1-based): chr6:129,478,746, C>G. VCF-style: chr6-129478746-C-G. GRCh37 (hg19) VCF-style: chr6-129799891-C-G.
Other names: c.7493C>G, p.Ser2498Ter (NM_001079823.2); short protein forms S2498*, S2502*.
Identifiers: ClinVar variation 5013405 (VCV005013405.1).